The following is an entry in ClinVar:

ClinVar aggregate classification (germline): Likely benign (1 of 4 stars; one submission).

Allele frequency attached by ClinVar (database versions not stated): gnomAD exomes 0.00846; 1000 Genomes Project 0.01697; 1000 Genomes Project 30x 0.01749; gnomAD 0.01827; TOPMed 0.02211.
gnomAD v4.1: 7,951 of 730,332 alleles (1.1%); highest among the groups gnomAD compares: Middle Eastern, 4.7%; 132 homozygotes.

Submission:

GeneDx
Classification: Likely benign. Last evaluated: 2021-05-19. Review status: criteria provided, single submitter. Criteria: GeneDx Variant Classification Process June 2021. Collection method: clinical testing. Allele origin: germline. Affected: yes.
Comment: See Variant Classification Assertion Criteria.

NM_018051.5(DYNC2I1):c.16-115C>T

Gene: DYNC2I1 (dynein 2 intermediate chain 1; plus strand). Cytogenetic location: 7q36.3.
Variant type: single nucleotide variant.
Coding change: c.16-115C>T on transcript NM_018051.5 (MANE Select); 115 bases into the intron before coding-DNA position 16, C replaced by T.
Molecular consequence: intron variant.
Genome position (GRCh38, 1-based): chr7:158,869,740, C>T. VCF-style: chr7-158869740-C-T. GRCh37 (hg19) VCF-style: chr7-158662431-C-T.
Other names: c.-123-115C>T (NM_001350914.2); c.-1470-115C>T (NM_001350918.2); c.-1351-115C>T (NM_001350917.2); c.-1343-115C>T (NM_001350916.2); c.-502-115C>T (NM_001350915.2).
Identifiers: ClinVar variation 1706664 (VCV001706664.2), dbSNP rs114073208, ClinGen allele CA170044210.